The following is an entry in ClinVar:

NM_177550.5(SLC13A5):c.232-7G>A

Gene: SLC13A5 (solute carrier family 13 member 5; minus strand). Cytogenetic location: 17p13.1.
Variant type: single nucleotide variant.
Coding change: c.232-7G>A on transcript NM_177550.5 (MANE Select); 7 bases into the intron before coding-DNA position 232, G replaced by A.
Molecular consequence: intron variant.
Genome position (GRCh38, 1-based): chr17:6,706,785, C>T on the plus strand (G>A on the coding strand, the complement: SLC13A5 is on the minus strand). VCF-style: chr17-6706785-C-T. GRCh37 (hg19) VCF-style: chr17-6610104-C-T.
Other names: c.103-7G>A (NM_001284510.2); c.232-7G>A (NM_001284509.2, NM_001143838.3).
Identifiers: ClinVar variation 784795 (VCV000784795.12), dbSNP rs376066820, ClinGen allele CA8331796.
Genomic context (GRCh38, chr17:6,706,785, plus strand): 5'-GATGAGGCCGCCCAGGAACAGCATGTTGGTGTCCTTCATGTACTGGACACACACCTGGAG[C>T]GTGGCACGAAGGCCTCATCAGGACTGTCCCTTGCCACACACTAGAGCCACCCAGTCCCCA-3'

ClinVar aggregate classification (germline): Likely benign. Review status: criteria provided, single submitter (1 of 4 stars). 2 submissions from 2 submitters: Likely benign (1). 1 of the submissions does not count toward it. Last evaluated 2025-11-24.

Conditions:
SLC13A5-related disorder. Also called: SLC13A5-related condition.
Developmental and epileptic encephalopathy, 25 (DEE25). Also called: Epileptic encephalopathy, early infantile, 25; Developmental and epileptic encephalopathy 25, with amelogenesis imperfecta; Epileptic encephalopathy, early infantile, 25, with amelogenesis imperfecta. Identifiers: Orphanet 442835, MedGen C4014621, MONDO:0014392, OMIM 615905.

Allele frequency attached by ClinVar (database versions not stated): gnomAD exomes 0.00003 and 0.00006; ExAC 0.00008; ESP Exome Variant Server 0.00008; TOPMed 0.00022; gnomAD 0.00024 and 0.00025; 1000 Genomes Project 30x 0.00031; 1000 Genomes Project 0.00040.
gnomAD v4.1: 85 of 1,613,840 alleles (0.0053%); highest among the groups gnomAD compares: African/African-American, 0.08%; no homozygotes.

Submissions (2):

Labcorp Genetics (formerly Invitae), Labcorp
Classification: Likely benign for Developmental and epileptic encephalopathy, 25. Last evaluated: 2025-11-24. Review status: criteria provided, single submitter. Criteria: Invitae Variant Classification Sherloc (09022015). Collection method: clinical testing. Allele origin: germline.

PreventionGenetics, part of Exact Sciences
Classification: Likely benign for SLC13A5-related condition. Last evaluated: 2021-06-02. Review status: no assertion criteria provided. Collection method: clinical testing. Allele origin: germline. Not counted in ClinVar's aggregate classification.
Comment: This variant is classified as likely benign based on ACMG/AMP sequence variant interpretation guidelines (Richards et al. 2015 PMID: 25741868, with internal and published modifications).